The following is an entry in ClinVar:

NM_006302.3(MOGS):c.1604G>A (p.Arg535Gln)

Gene: MOGS (mannosyl-oligosaccharide glucosidase; minus strand). Cytogenetic location: 2p13.1.
Variant type: single nucleotide variant.
Coding change: c.1604G>A on transcript NM_006302.3 (MANE Select); coding-DNA position 1604, G replaced by A.
Protein change: p.Arg535Gln; replaces arginine 535 with glutamine.
Molecular consequence: missense variant.
Genome position (GRCh38, 1-based): chr2:74,462,185, C>T on the plus strand (G>A on the coding strand, the complement: MOGS is on the minus strand). VCF-style: chr2-74462185-C-T. GRCh37 (hg19) VCF-style: chr2-74689312-C-T.
Other names: c.1286G>A, p.Arg429Gln (NM_001146158.2); short protein forms R429Q, R535Q.
Identifiers: ClinVar variation 863054 (VCV000863054.5), dbSNP rs199528323, ClinGen allele CA1724753.

ClinVar aggregate classification (germline): Uncertain significance. Review status: criteria provided, multiple submitters, no conflicts (2 of 4 stars). 2 submissions from 2 submitters: Uncertain significance (2). Last evaluated 2022-10-17.

Conditions:
Inborn genetic diseases. Identifiers: MedGen C0950123, MeSH D030342.
MOGS-congenital disorder of glycosylation. Also called: GLUCOSIDASE I DEFICIENCY; MOGS-CDG; CDG IIb; CDG 2B. Identifiers: Orphanet 79330, MedGen C1853736, MONDO:0011629, OMIM 606056.

Allele frequency attached by ClinVar (database versions not stated): 1000 Genomes Project 30x 0.00016; 1000 Genomes Project 0.00020; ExAC 0.00028; gnomAD 0.00028 and 0.00031; gnomAD exomes 0.00030; TOPMed 0.00032; ESP Exome Variant Server 0.00033.
gnomAD v4.1: 644 of 1,614,110 alleles (0.04%); highest among the groups gnomAD compares: Non-Finnish European, 0.051%; no homozygotes.

Submissions (2):

Labcorp Genetics (formerly Invitae), Labcorp
Classification: Uncertain significance for MOGS-congenital disorder of glycosylation. Last evaluated: 2022-10-17. Review status: criteria provided, single submitter. Criteria: Invitae Variant Classification Sherloc (09022015). Collection method: clinical testing. Allele origin: germline.
Comment: This sequence change replaces arginine, which is basic and polar, with glutamine, which is neutral and polar, at codon 535 of the MOGS protein (p.Arg535Gln). This variant is present in population databases (rs199528323, gnomAD 0.05%). This variant has not been reported in the literature in individuals affected with MOGS-related conditions. ClinVar contains an entry for this variant (Variation ID: 863054). Advanced modeling of protein sequence and biophysical properties (such as structural, functional, and spatial information, amino acid conservation, physicochemical variation, residue mobility, and thermodynamic stability) performed at Invitae indicates that this missense variant is not expected to disrupt MOGS protein function. In summary, the available evidence is currently insufficient to determine the role of this variant in disease. Therefore, it has been classified as a Variant of Uncertain Significance.

Ambry Genetics
Classification: Uncertain significance for Inborn genetic diseases. Last evaluated: 2022-03-10. Review status: criteria provided, single submitter. Criteria: Ambry Variant Classification Scheme 2023. Collection method: clinical testing. Allele origin: germline.